The following is an entry in ClinVar:

ClinVar aggregate classification (germline): Uncertain significance (1 of 4 stars; one submission).

Conditions:
Hereditary nonpolyposis colorectal neoplasms. Identifiers: MedGen C0009405, MeSH D003123.

Submission:

Labcorp Genetics (formerly Invitae), Labcorp
Classification: Uncertain significance for Hereditary nonpolyposis colorectal neoplasms. Last evaluated: 2023-09-19. Review status: criteria provided, single submitter. Criteria: Invitae Variant Classification Sherloc (09022015). Collection method: clinical testing. Allele origin: germline.
Comment: This sequence change creates a premature translational stop signal (p.Leu1356Phefs*3) in the MSH6 gene. While this is not anticipated to result in nonsense mediated decay, it is expected to disrupt the last 5 amino acid(s) of the MSH6 protein. In summary, the available evidence is currently insufficient to determine the role of this variant in disease. Therefore, it has been classified as a Variant of Uncertain Significance. Experimental studies and prediction algorithms are not available or were not evaluated, and the functional significance of this variant is currently unknown. This variant has not been reported in the literature in individuals affected with MSH6-related conditions. This variant is not present in population databases (gnomAD no frequency).

NM_000179.3(MSH6):c.4067dup (p.Leu1356fs)

Gene: MSH6 (mutS homolog 6; plus strand). Cytogenetic location: 2p16.3.
Variant type: Duplication.
Coding change: c.4067dup on transcript NM_000179.3 (MANE Select); coding-DNA position 4067, one base duplicated (T; older notation c.4067dupT).
Protein change: p.Leu1356fs; shifts the reading frame from leucine 1356.
Molecular consequence: frameshift variant. On other transcripts: non-coding transcript variant (5), 3 prime UTR variant (5).
Genome position (GRCh38, 1-based): chr2:47,806,844, T duplicated; the last of 3 consecutive T bases (chr2:47,806,842-47,806,844); duplicating any one gives the same sequence. VCF-style (leftmost placement, unchanged base first): chr2-47806841-C-CT. GRCh37 (hg19) VCF-style: chr2-48033980-C-CT.
Other names: c.3899dup, p.Leu1300fs (NM_001406826.1); c.3770dup, p.Leu1257fs (NM_001406827.1, NM_001406828.1, NM_001406830.1 and 8 more transcripts); c.3161dup, p.Leu1054fs (NM_001406829.1, NM_001406823.1, NM_001281493.2 and 6 more transcripts); c.848dup, p.Leu283fs (NM_001406831.1); c.914dup, p.Leu305fs (NM_001406832.1); c.2012dup, p.Leu671fs (NM_001407362.1); c.2501dup, p.Leu834fs (NM_001406817.1); c.*48dup (NM_001406822.1, NM_001406801.1, NM_001406802.1 and 1 more transcripts); and 9 more; short protein forms L1068fs, L1181fs, L1226fs, L1330fs, L1356fs, L1257fs, L1298fs, L1358fs.
Identifiers: ClinVar variation 2761814 (VCV002761814.3), dbSNP rs2530898112, ClinGen allele CA2697548146.